The following is an entry in ClinVar:

NM_002049.4(GATA1):c.37G>T (p.Glu13Ter)

Gene: GATA1 (GATA binding protein 1; plus strand). Cytogenetic location: Xp11.23.
Variant type: single nucleotide variant.
Coding change: c.37G>T on transcript NM_002049.4 (MANE Select); coding-DNA position 37, G replaced by T.
Protein change: p.Glu13Ter; replaces glutamic acid 13 with a stop codon.
Molecular consequence: nonsense.
Genome position (GRCh38, 1-based): chrX:48,791,146, G>T. VCF-style: chrX-48791146-G-T. GRCh37 (hg19) VCF-style: chrX-48649553-G-T.
Other names: short protein forms E13*.
Identifiers: ClinVar variation 5000151 (VCV005000151.1).

ClinVar aggregate classification (germline): Likely pathogenic (1 of 4 stars; one submission).

Conditions:
GATA1-related disorder. Also called: GATA1-related condition.

Submission:

PreventionGenetics, part of Exact Sciences
Classification: Likely pathogenic for GATA1-related condition. Last evaluated: 2025-04-21. Review status: criteria provided, single submitter. Criteria: ACMG Guidelines, 2015. Collection method: clinical testing. Allele origin: germline.
Comment: The GATA1 c.37G>T variant is predicted to result in premature protein termination (p.Glu13*). To our knowledge, this variant has not been reported in the literature or in a large population database (gnomAD), indicating this variant is rare. Nonsense variants in GATA1 are expected to be pathogenic. This variant is interpreted as likely pathogenic.